The following is an entry in ClinVar:

ClinVar aggregate classification (germline): Likely pathogenic, low penetrance (1 of 4 stars; one submission).

Conditions:
Atypical hemolytic-uremic syndrome. Identifiers: Orphanet 2134, MedGen C2931788, MONDO:0016244.
Age related macular degeneration 4. Identifiers: MedGen C1853147, MONDO:0012540, OMIM 610698.

Submission:

Genomenon, Inc
Classification: Likely pathogenic, low penetrance for Atypical hemolytic-uremic syndrome; Age related macular degeneration 4. Last evaluated: 2025-10-02. Review status: criteria provided, single submitter. Criteria: Genomenon Sequence Variant Interpretation Standards - Updated. Collection method: curation. Allele origin: germline. Affected: yes.
Comment: CFH p.Cys431Tyr (c.1292G>A) is a missense variant that changes the amino acid at residue 431 from Cysteine to Tyrosine. This variant has been observed in at least one proband affected with a CFH-related disorder (PMID:30890598;20203157;18336910). Functional studies have been reported (PMID:34189567). It is absent or not present at a significant frequency in gnomAD. In silico models agree that this variant is possibly or probably damaging. In conclusion, we classify CFH p.Cys431Tyr (c.1292G>A) as a likely pathogenic, low penetrance variant.

Literature cited by the submitters: PubMed 30890598; PubMed 20203157; PubMed 34189567; PubMed 23307876; PubMed 2020315; PubMed 28596415; PubMed 18336910; PubMed 25188723; PubMed 29500241; PubMed 19961953; PubMed 29301530; PubMed 30905644; PubMed 24970127; PubMed 17089378; PubMed 24161037; PubMed 21188423; PubMed 22669321; PubMed 19297022.

NM_000186.4(CFH):c.1292G>A (p.Cys431Tyr)

Gene: CFH (complement factor H; plus strand). Cytogenetic location: 1q31.3.
Variant type: single nucleotide variant.
Coding change: c.1292G>A on transcript NM_000186.4 (MANE Select); coding-DNA position 1292, G replaced by A.
Protein change: p.Cys431Tyr; replaces cysteine 431 with tyrosine.
Molecular consequence: missense variant.
Genome position (GRCh38, 1-based): chr1:196,690,195, G>A. VCF-style: chr1-196690195-G-A. GRCh37 (hg19) VCF-style: chr1-196659325-G-A.
Other names: c.1292G>A, p.Cys431Tyr (NM_001014975.3); short protein forms C431Y.
Identifiers: ClinVar variation 4291379 (VCV004291379.2).
Genomic context (GRCh38, chr1:196,690,195, plus strand): 5'-CTATAGACGTTGCCTGCCATCCTGGCTACGCTCTTCCAAAAGCGCAGACCACAGTTACAT[G>A]TATGGAGAATGGCTGGTCTCCTACTCCCAGATGCATCCGTGTCAGTAAGTACACTACTCT-3'
Protein context (NP_000177.2, residues 421-441): ALPKAQTTVT[Cys431Tyr]MENGWSPTPR